The following is an entry in ClinVar:

NM_002778.4(PSAP):c.777_778insTGT (p.Met259_Gln260insCys)

Gene: PSAP (prosaposin; minus strand). Cytogenetic location: 10q22.1.
Variant type: Insertion.
Coding change: c.777_778insTGT on transcript NM_002778.4 (MANE Select); coding-DNA positions 777 to 778, TGT inserted.
Protein change: p.Met259_Gln260insCys.
Molecular consequence: inframe insertion.
Genome position: GRCh38 VCF-style: chr10-71825836-C-CACA. GRCh37 (hg19) VCF-style: chr10-73585593-C-CACA.
Other names: c.777_778insTGT, p.Met259_Gln260insCys (NM_001042465.3); c.777_778insTGT, p.Met259_Asp260insCys (NM_001042466.3).
Identifiers: ClinVar variation 2435271 (VCV002435271.3), dbSNP rs2494516617, ClinGen allele CA2580081928.
Genomic context (GRCh38, chr10:71,825,836, plus strand): 5'-AGAAATGACGAAACCTGAAAAACAAAGAAAAATGCTAACAAGGGGCCTCCGTGCCACCTA[C>CACA]CATGTGCATCATCATCTGGATAGCAATTTCAGAATACTGGCTGATATAGTTCTTGCACTG-3'

ClinVar aggregate classification (germline): Conflicting classifications of pathogenicity. Review status: criteria provided, conflicting classifications (1 of 4 stars). 2 submissions from 2 submitters: Likely pathogenic (1); Uncertain significance (1). Last evaluated 2020-07-29.

Conditions:
Sphingolipid activator protein 1 deficiency. Also called: Saposin B Deficiency; METACHROMATIC LEUKODYSTROPHY DUE TO CEREBROSIDE SULFATASE ACTIVATOR DEFICIENCY; Metachromatic leukodystrophy due to saposin B deficiency. Identifiers: Orphanet 512, MedGen C0268262, MONDO:0009590, OMIM 249900.

Submissions (2):

Revvity Omics, Revvity
Classification: Uncertain significance. Last evaluated: 2020-07-29. Review status: criteria provided, single submitter. Criteria: ACMG Guidelines, 2015. Collection method: clinical testing. Allele origin: germline.

Kasturba Medical College, Manipal, Kasturba Medical College, Manipal, Manipal Academy of Higher Education, Manipal, India
Classification: Likely pathogenic for Sphingolipid activator protein 1 deficiency. Review status: criteria provided, single submitter. Criteria: ACMG Guidelines, 2015. Collection method: research. Allele origin: biparental. Inheritance: Autosomal recessive inheritance. Affected: yes. Observed: 1 homozygote.
Comment: This variant is absent in homozygous state in the population database gnomAD (v.4.1.0) and our in-house database of 3754 exomes. The variant is reported in heterozygous state in one individual in our in-house database and absent in gnomAD (v.4.1.0). This insertion of 3bp at the intron-exon junction likely abolishes the canonical splice site which may lead to either the formation of a truncated protein or the transcript to undergo nonsense-mediated mRNA decay. In-silico analysis tool, SpliceAI, also predicts the variant to cause aberrant splicing.